The following is an entry in ClinVar:

NM_006383.4(CIB2):c.28G>A (p.Glu10Lys)

Genes: CIB2 (calcium and integrin binding family member 2; minus strand), LOC130057683 (ATAC-STARR-seq lymphoblastoid silent region 6705; plus strand). Cytogenetic location: 15q25.1.
Variant type: single nucleotide variant.
Coding change: c.28G>A on transcript NM_006383.4 (MANE Select); coding-DNA position 28, G replaced by A.
Protein change: p.Glu10Lys; replaces glutamic acid 10 with lysine.
Molecular consequence: missense variant. On other transcripts: 5 prime UTR variant (1), non-coding transcript variant (1).
Genome position (GRCh38, 1-based): chr15:78,131,188, C>T on the plus strand (G>A on the coding strand, the complement: CIB2 is on the minus strand). VCF-style: chr15-78131188-C-T. GRCh37 (hg19) VCF-style: chr15-78423530-C-T.
Other names: c.-67G>A (NM_001271888.2); c.28G>A, p.Glu10Lys (NM_001271889.2, NM_001301224.2); short protein forms E10K.
Identifiers: ClinVar variation 1933355 (VCV001933355.5), dbSNP rs1255120819, ClinGen allele CA393551985.

ClinVar aggregate classification (germline): Uncertain significance (1 of 4 stars; one submission).

Allele frequency attached by ClinVar (database versions not stated): gnomAD exomes below 0.00001.
gnomAD v4.1: 2 of 1,589,506 alleles (0.00013%); highest among the groups gnomAD compares: Non-Finnish European, 0.000086%; no homozygotes.

Submission:

Labcorp Genetics (formerly Invitae), Labcorp
Classification: Uncertain significance. Last evaluated: 2022-09-01. Review status: criteria provided, single submitter. Criteria: Invitae Variant Classification Sherloc (09022015). Collection method: clinical testing. Allele origin: germline.
Comment: This variant has not been reported in the literature in individuals affected with CIB2-related conditions. Algorithms developed to predict the effect of missense changes on protein structure and function are either unavailable or do not agree on the potential impact of this missense change (SIFT: "Not Available"; PolyPhen-2: "Benign"; Align-GVGD: "Not Available"). In summary, the available evidence is currently insufficient to determine the role of this variant in disease. Therefore, it has been classified as a Variant of Uncertain Significance. The frequency data for this variant in the population databases is considered unreliable, as metrics indicate poor data quality at this position in the gnomAD database. This sequence change replaces glutamic acid, which is acidic and polar, with lysine, which is basic and polar, at codon 10 of the CIB2 protein (p.Glu10Lys).